The following is an entry in ClinVar:

ClinVar aggregate classification (germline): Conflicting classifications of pathogenicity. Review status: criteria provided, conflicting classifications (1 of 4 stars). 5 submissions from 5 submitters: Uncertain significance (2); Likely benign (2). 1 of the submissions does not count toward it. Last evaluated 2026-01-19.

Conditions:
AGRN-related disorder. Also called: AGRN-related condition.
Inborn genetic diseases. Identifiers: MedGen C0950123, MeSH D030342.
Congenital myasthenic syndrome 8. Also called: MYASTHENIC SYNDROME, CONGENITAL, DUE TO AGRIN DEFICIENCY; Myasthenic syndrome, congenital, 8, with pre- and postsynaptic defects. Identifiers: Orphanet 590, MedGen C3808739, MONDO:0014052, OMIM 615120.

Allele frequency attached by ClinVar (database versions not stated): gnomAD exomes 0.00004 and 0.00010; ExAC 0.00024; gnomAD 0.00117 and 0.00125; 1000 Genomes Project 30x 0.00187; TOPMed 0.00226.
gnomAD v4.1: 236 of 1,462,122 alleles (0.016%); highest among the groups gnomAD compares: African/African-American, 0.31%; 3 homozygotes.

Submissions (5):

Labcorp Genetics (formerly Invitae), Labcorp
Classification: Likely benign for Congenital myasthenic syndrome 8. Last evaluated: 2026-01-19. Review status: criteria provided, single submitter. Criteria: Invitae Variant Classification Sherloc (09022015). Collection method: clinical testing. Allele origin: germline.

Mayo Clinic Laboratories, Mayo Clinic
Classification: Uncertain significance. Last evaluated: 2025-04-23. Review status: criteria provided, single submitter. Criteria: ACMG Guidelines, 2015. Collection method: clinical testing. Allele origin: germline. Observed: 2 variant alleles.
Comment: BS1

Ambry Genetics
Classification: Uncertain significance for Inborn genetic diseases. Last evaluated: 2021-08-17. Review status: criteria provided, single submitter. Criteria: Ambry Variant Classification Scheme 2023. Collection method: clinical testing. Allele origin: germline.

GeneDx
Classification: Likely benign. Last evaluated: 2020-08-21. Review status: criteria provided, single submitter. Criteria: GeneDx Variant Classification Process June 2021. Collection method: clinical testing. Allele origin: germline. Affected: yes.
Comment: In silico analysis supports that this missense variant does not alter protein structure/function; Has not been previously published as pathogenic or benign to our knowledge

PreventionGenetics, part of Exact Sciences
Classification: Likely benign for AGRN-related condition. Last evaluated: 2024-05-28. Review status: no assertion criteria provided. Collection method: clinical testing. Allele origin: germline. Not counted in ClinVar's aggregate classification.
Comment: This variant is classified as likely benign based on ACMG/AMP sequence variant interpretation guidelines (Richards et al. 2015 PMID: 25741868, with internal and published modifications).

NM_198576.4(AGRN):c.752T>C (p.Val251Ala)

Gene: AGRN (agrin; plus strand). Cytogenetic location: 1p36.33.
Variant type: single nucleotide variant.
Coding change: c.752T>C on transcript NM_198576.4 (MANE Select); coding-DNA position 752, T replaced by C.
Protein change: p.Val251Ala; replaces valine 251 with alanine.
Molecular consequence: missense variant.
Genome position (GRCh38, 1-based): chr1:1,041,197, T>C. VCF-style: chr1-1041197-T-C. GRCh37 (hg19) VCF-style: chr1-976577-T-C.
Other names: p.Val251Ala; c.752T>C, p.Val251Ala (NM_001305275.2); c.437T>C, p.Val146Ala (NM_001364727.2); short protein forms V251A, V146A.
Identifiers: ClinVar variation 430121 (VCV000430121.20), dbSNP rs779170859, ClinGen allele CA507917.